The following is an entry in ClinVar:

ClinVar aggregate classification (germline): Benign/Likely benign. Review status: criteria provided, multiple submitters, no conflicts (2 of 4 stars). 9 submissions from 9 submitters: Benign (1); Likely benign (7). 1 of the submissions does not count toward it. Last evaluated 2026-01-07.

Conditions:
BRIP1-related disorder. Also called: BRIP1-related condition; BRIP1-related disorders. Identifiers: MedGen CN239206.
Hereditary cancer-predisposing syndrome. Also called: Tumor predisposition; Hereditary Cancer Syndrome; Hereditary neoplastic syndrome; Neoplastic Syndromes, Hereditary. Identifiers: Orphanet 140162, MedGen C0027672, MeSH D009386, MONDO:0015356.
Familial cancer of breast. Also called: BREAST CANCER, FAMILIAL; hereditary breast carcinoma; Hereditary breast cancer. Identifiers: Orphanet 227535, MedGen C0346153, MONDO:0016419, OMIM 114480. Disease mechanism: loss of function.
Fanconi anemia complementation group J. Also called: BRIP1-Related Fanconi Anemia. Identifiers: Orphanet 84, MedGen C1836860, MONDO:0012187, OMIM 609054.

Allele frequency attached by ClinVar (database versions not stated): gnomAD exomes below 0.00001 and 0.00002; ExAC 0.00002; gnomAD 0.00003 and 0.00004; TOPMed 0.00004; ESP Exome Variant Server 0.00008.
gnomAD v4.1: 7 of 1,613,992 alleles (0.00043%); highest among the groups gnomAD compares: African/African-American, 0.0093%; no homozygotes.

Submissions (9):

Labcorp Genetics (formerly Invitae), Labcorp
Classification: Likely benign for Familial cancer of breast; Fanconi anemia complementation group J. Last evaluated: 2026-01-07. Review status: criteria provided, single submitter. Criteria: Invitae Variant Classification Sherloc (09022015). Collection method: clinical testing. Allele origin: germline.

Myriad Genetics, Inc.
Classification: Benign for Familial cancer of breast. Last evaluated: 2024-08-29. Review status: criteria provided, single submitter. Criteria: Myriad Autosomal Dominant, Autosomal Recessive and X-Linked Classification Criteria (2023). Collection method: clinical testing. Allele origin: unknown.
Comment: This variant is considered benign. This variant is a silent/synonymous amino acid change and it is not expected to impact splicing.

Institute for Biomarker Research, Medical Diagnostic Laboratories, L.L.C.
Classification: Likely benign for Hereditary cancer-predisposing syndrome. Last evaluated: 2023-09-05. Review status: criteria provided, single submitter. Criteria: ACMG Guidelines, 2015. Collection method: clinical testing. Allele origin: germline.

Sema4
Classification: Likely benign for Hereditary cancer-predisposing syndrome. Last evaluated: 2022-03-18. Review status: criteria provided, single submitter. Criteria: Sema4 Curation Guidelines. Collection method: curation. Allele origin: germline.

Department of Pathology and Laboratory Medicine, Sinai Health System
Classification: Likely benign for Familial cancer of breast. Last evaluated: 2019-12-19. Review status: criteria provided, single submitter. Criteria: ACMG Guidelines, 2015. Collection method: clinical testing. Allele origin: germline. Affected: yes.

GeneDx
Classification: Likely benign. Last evaluated: 2016-05-12. Review status: criteria provided, single submitter. Criteria: GeneDx Variant Classification (06012015). Collection method: clinical testing. Allele origin: germline. Affected: yes.
Comment: This variant is considered likely benign or benign based on one or more of the following criteria: it is a conservative change, it occurs at a poorly conserved position in the protein, it is predicted to be benign by multiple in silico algorithms, and/or has population frequency not consistent with disease.

Color Diagnostics, LLC DBA Color Health
Classification: Likely benign for Hereditary cancer-predisposing syndrome. Last evaluated: 2016-01-14. Review status: criteria provided, single submitter. Criteria: ACMG Guidelines, 2015. Collection method: clinical testing. Allele origin: germline.

Ambry Genetics
Classification: Likely benign for Hereditary cancer-predisposing syndrome. Last evaluated: 2015-01-21. Review status: criteria provided, single submitter. Criteria: Ambry Variant Classification Scheme 2023. Collection method: clinical testing. Allele origin: germline.

PreventionGenetics, part of Exact Sciences
Classification: Likely benign for BRIP1-related condition. Last evaluated: 2019-12-02. Review status: no assertion criteria provided. Collection method: clinical testing. Allele origin: germline. Not counted in ClinVar's aggregate classification.
Comment: This variant is classified as likely benign based on ACMG/AMP sequence variant interpretation guidelines (Richards et al. 2015 PMID: 25741868, with internal and published modifications).

NM_032043.3(BRIP1):c.1695A>C (p.Ser565=)

Gene: BRIP1 (BRCA1 interacting DNA helicase 1; minus strand). Cytogenetic location: 17q23.2.
Variant type: single nucleotide variant.
Coding change: c.1695A>C on transcript NM_032043.3 (MANE Select); coding-DNA position 1695, A replaced by C.
Protein change: p.Ser565=; no amino-acid change (serine 565 retained).
Molecular consequence: synonymous variant.
Genome position (GRCh38, 1-based): chr17:61,780,939, T>G on the plus strand (A>C on the coding strand, the complement: BRIP1 is on the minus strand). VCF-style: chr17-61780939-T-G. GRCh37 (hg19) VCF-style: chr17-59858300-T-G.
Identifiers: ClinVar variation 183804 (VCV000183804.24), dbSNP rs142572387, ClinGen allele CA186544.